The following is an entry in ClinVar:

NM_018082.6(POLR3B):c.1386G>A (p.Thr462=)

Gene: POLR3B (RNA polymerase III subunit B; plus strand). Cytogenetic location: 12q23.3.
Variant type: single nucleotide variant.
Coding change: c.1386G>A on transcript NM_018082.6 (MANE Select); coding-DNA position 1386, G replaced by A.
Protein change: p.Thr462=; no amino-acid change (threonine 462 retained).
Molecular consequence: synonymous variant.
Genome position (GRCh38, 1-based): chr12:106,430,395, G>A. VCF-style: chr12-106430395-G-A. GRCh37 (hg19) VCF-style: chr12-106824173-G-A.
Other names: c.1212G>A, p.Thr404= (NM_001160708.2); c.1386G>A (NM_018082.5).
Identifiers: ClinVar variation 1552266 (VCV001552266.9), dbSNP rs766417611, ClinGen allele CA6761939.

ClinVar aggregate classification (germline): Likely benign. Review status: criteria provided, multiple submitters, no conflicts (2 of 4 stars). 2 submissions from 2 submitters: Likely benign (2). Last evaluated 2025-08-31.

Conditions:
POLR3B-related disorder. Also called: POLR3B-related condition; POLR3B-related disorders. Identifiers: MedGen CN378588, MONDO:0700277.

Allele frequency attached by ClinVar (database versions not stated): gnomAD 0.00003 and 0.00004; ExAC 0.00004; gnomAD exomes 0.00004 and 0.00009; TOPMed 0.00004.
gnomAD v4.1: 131 of 1,613,818 alleles (0.0081%); highest among the groups gnomAD compares: Middle Eastern, 0.017%; no homozygotes.

Submissions (2):

PreventionGenetics, part of Exact Sciences
Classification: Likely benign for POLR3B-related condition. Last evaluated: 2025-08-31. Review status: criteria provided, single submitter. Criteria: ACMG Guidelines, 2015. Collection method: clinical testing. Allele origin: germline.
Comment: This variant is classified as likely benign based on ACMG/AMP sequence variant interpretation guidelines (Richards et al. 2015 PMID: 25741868, with internal and published modifications).

Labcorp Genetics (formerly Invitae), Labcorp
Classification: Likely benign. Last evaluated: 2023-03-08. Review status: criteria provided, single submitter. Criteria: Invitae Variant Classification Sherloc (09022015). Collection method: clinical testing. Allele origin: germline.